The following is an entry in ClinVar:

ClinVar aggregate classification (germline): Uncertain significance. Review status: criteria provided, multiple submitters, no conflicts (2 of 4 stars). 2 submissions from 2 submitters: Uncertain significance (2). Last evaluated 2018-11-19.

Conditions:
Shukla-Vernon syndrome. Identifiers: MedGen C5193146, MONDO:0026727, OMIM 301029.

Allele frequency attached by ClinVar (database versions not stated): gnomAD exomes 0.00002; gnomAD 0.00004; ExAC 0.00001; TOPMed 0.00004.
gnomAD v4.1: 27 of 1,209,900 alleles (0.0022%); highest among the groups gnomAD compares: Middle Eastern, 0.023%; no homozygotes.

Submissions (2):

Center for Personalized Medicine, Children's Hospital Los Angeles
Classification: Uncertain significance. Last evaluated: 2018-11-19. Review status: criteria provided, single submitter. Criteria: ACMG Guidelines, 2015. Collection method: clinical testing. Allele origin: germline. Affected: yes.

ARUP Laboratories, Molecular Genetics and Genomics, ARUP Laboratories
Classification: Uncertain significance for Shukla-Vernon syndrome. Review status: criteria provided, single submitter. Criteria: ARUP Molecular Germline Variant Investigation Process 2024. Collection method: clinical testing. Allele origin: germline.
Comment: The BCORL1 c.532A>G; p.Thr178Ala variant (rs778220343, ClinVar Variation ID: 598967) is reported in the literature in an individual affected with global developmental delay, structural brain abnormalities, hypotonia, microcephaly, and dysmorphic facial features (Ji 2019). However, this variant was also identified in the patientâ€™s unaffected male siblings. Additionally, this variant is found in the non-Finnish European population with an allele frequency of 0.003% (25/895160 alleles, including 7 hemizygotes) in the Genome Aggregation Database (v4.1.0). Computational analyses predict that this variant is neutral (REVEL: 0.045). Due to limited information, the clinical significance of this variant is uncertain at this time. References: Ji J et al. A semiautomated whole-exome sequencing workflow leads to increased diagnostic yield and identification of novel candidate variants. Cold Spring Harb Mol Case Stud. 2019 Apr 1;5(2):a003756. PMID: 30755392

NM_001379451.1(BCORL1):c.532A>G (p.Thr178Ala)

Gene: BCORL1 (BCL6 corepressor like 1; plus strand). Cytogenetic location: Xq26.1.
Variant type: single nucleotide variant.
Coding change: c.532A>G on transcript NM_001379451.1 (MANE Select); coding-DNA position 532, A replaced by G.
Protein change: p.Thr178Ala; replaces threonine 178 with alanine.
Molecular consequence: missense variant.
Genome position (GRCh38, 1-based): chrX:130,013,304, A>G. VCF-style: chrX-130013304-A-G. GRCh37 (hg19) VCF-style: chrX-129147280-A-G.
Other names: c.532A>G, p.Thr178Ala (NM_001184772.3, NM_001379450.1, NM_021946.5); short protein forms T178A.
Identifiers: ClinVar variation 598967 (VCV000598967.5), dbSNP rs778220343, ClinGen allele CA10514138.